The following is an entry in ClinVar:

ClinVar aggregate classification (germline): Uncertain significance (1 of 4 stars; one submission).

Submission:

GeneDx
Classification: Uncertain significance. Last evaluated: 2019-12-12. Review status: criteria provided, single submitter. Criteria: GeneDx Variant Classification Process June 2021. Collection method: clinical testing. Allele origin: germline. Affected: yes.
Comment: Not observed in large population cohorts (Lek et al., 2016); Frameshift variant predicted to result in protein truncation or nonsense mediated decay in a gene for which loss-of-function is not a known mechanism of disease; Has not been previously published as pathogenic or benign to our knowledge

NM_006662.3(SRCAP):c.4350dup (p.Ala1451fs)

Gene: SRCAP (Snf2 related CREBBP activator protein; plus strand). Cytogenetic location: 16p11.2.
Variant type: Duplication.
Coding change: c.4350dup on transcript NM_006662.3 (MANE Select); coding-DNA position 4350, one base duplicated (A; older notation c.4350dupA).
Protein change: p.Ala1451fs; shifts the reading frame from alanine 1451.
Molecular consequence: frameshift variant.
Genome position (GRCh38, 1-based): chr16:30,723,774, A duplicated. VCF-style (leftmost placement, unchanged base first): chr16-30723773-C-CA. GRCh37 (hg19) VCF-style: chr16-30735094-C-CA.
Other names: short protein forms A1451fs.
Identifiers: ClinVar variation 1303759 (VCV001303759.2), dbSNP rs2151294019, ClinGen allele CA2573054219.